The following is an entry in ClinVar:

NM_014141.6(CNTNAP2):c.797del (p.Met266fs)

Gene: CNTNAP2 (contactin associated protein 2; plus strand). Cytogenetic location: 7q35.
Variant type: Deletion.
Coding change: c.797del on transcript NM_014141.6 (MANE Select); coding-DNA position 797, one base deleted (T; older notation c.797delT).
Protein change: p.Met266fs; shifts the reading frame from methionine 266.
Molecular consequence: frameshift variant.
Genome position (GRCh38, 1-based): chr7:147,121,021, T deleted. VCF-style (leftmost placement, unchanged base first): chr7-147121020-AT-A. GRCh37 (hg19) VCF-style: chr7-146818112-AT-A.
Other names: short protein forms M266fs.
Identifiers: ClinVar variation 2127506 (VCV002127506.4), dbSNP rs2485901451, ClinGen allele CA2580077648.

ClinVar aggregate classification (germline): Pathogenic (1 of 4 stars; one submission).

Conditions:
Cortical dysplasia-focal epilepsy syndrome (PTHSL1). Also called: Pitt-Hopkins-like syndrome 1. Identifiers: Orphanet 163681, Orphanet 221150, MedGen C2750246, MONDO:0012400, OMIM 610042.

Allele frequency attached by ClinVar (database versions not stated): gnomAD exomes below 0.00001.

Submission:

Labcorp Genetics (formerly Invitae), Labcorp
Classification: Pathogenic for Cortical dysplasia-focal epilepsy syndrome. Last evaluated: 2022-04-18. Review status: criteria provided, single submitter. Criteria: Invitae Variant Classification Sherloc (09022015). Collection method: clinical testing. Allele origin: germline.
Comment: For these reasons, this variant has been classified as Pathogenic. This variant has not been reported in the literature in individuals affected with CNTNAP2-related conditions. This variant is not present in population databases (gnomAD no frequency). This sequence change creates a premature translational stop signal (p.Met266Argfs*49) in the CNTNAP2 gene. It is expected to result in an absent or disrupted protein product. Loss-of-function variants in CNTNAP2 are known to be pathogenic (PMID: 19896112, 21827697, 25045150, 26843181, 27439707).

Literature cited by the submitters: PubMed 19896112; PubMed 21827697; PubMed 25045150; PubMed 26843181; PubMed 27439707.